The following is an entry in ClinVar:

NM_015599.3(PGM3):c.1153_1157del (p.Met385fs)

Gene: PGM3 (phosphoglucomutase 3; minus strand). Cytogenetic location: 6q14.1.
Variant type: Deletion.
Coding change: c.1153_1157del on transcript NM_015599.3 (MANE Select); coding-DNA positions 1153 to 1157, 5 bases deleted (ATGAA; older notation c.1153_1157delATGAA).
Protein change: p.Met385fs; shifts the reading frame from methionine 385.
Molecular consequence: frameshift variant. On other transcripts: non-coding transcript variant (1).
Genome position (GRCh38, 1-based): chr6:83,174,459-83,174,463, TTCAT deleted on the plus strand (ATGAA on the coding strand, the reverse complement: PGM3 is on the minus strand); deleting any 5 consecutive bases within chr6:83,174,459-83,174,467 gives the same sequence; the c. name uses the placement nearest the transcript's 3' end. VCF-style (leftmost placement, unchanged base first): chr6-83174458-CTTCAT-C. GRCh37 (hg19) VCF-style: chr6-83884177-CTTCAT-C.
Other names: c.1237_1241del, p.Met413fs (NM_001199917.2, NM_001367287.1); c.910_914del, p.Met304fs (NM_001199918.2); c.1153_1157del, p.Met385fs (NM_001199919.2, NM_001367286.1); short protein forms M385fs, M413fs, M304fs.
Identifiers: ClinVar variation 2827552 (VCV002827552.4), dbSNP rs2538066459, ClinGen allele CA2679531342.

ClinVar aggregate classification (germline): Pathogenic/Likely pathogenic. Review status: criteria provided, multiple submitters, no conflicts (2 of 4 stars). 2 submissions from 2 submitters: Pathogenic (1); Likely pathogenic (1). Last evaluated 2024-02-07.

Conditions:
Immunodeficiency 23 (IMD23). Also called: IMMUNODEFICIENCY WITH HYPER IgE AND COGNITIVE IMPAIRMENT; IMMUNODEFICIENCY-VASCULITIS-MYOCLONUS SYNDROME. Identifiers: Orphanet 443811, MedGen C4014371, MONDO:0014353, OMIM 615816.

Submissions (2):

Fulgent Genetics
Classification: Likely pathogenic for Immunodeficiency 23. Last evaluated: 2024-02-07. Review status: criteria provided, single submitter. Criteria: ACMG Guidelines, 2015. Collection method: clinical testing. Allele origin: germline.

Labcorp Genetics (formerly Invitae), Labcorp
Classification: Pathogenic for Immunodeficiency 23. Last evaluated: 2023-01-17. Review status: criteria provided, single submitter. Criteria: Invitae Variant Classification Sherloc (09022015). Collection method: clinical testing. Allele origin: germline.
Comment: This variant is not present in population databases (gnomAD no frequency). This sequence change creates a premature translational stop signal (p.Met413Aspfs*11) in the PGM3 gene. It is expected to result in an absent or disrupted protein product. Loss-of-function variants in PGM3 are known to be pathogenic (PMID: 17548465, 24589341, 24931394). This variant has not been reported in the literature in individuals affected with PGM3-related conditions. For these reasons, this variant has been classified as Pathogenic.

Literature cited by the submitters: PubMed 17548465 (cited by Labcorp Genetics (formerly Invitae), Labcorp); PubMed 24589341 (cited by Labcorp Genetics (formerly Invitae), Labcorp); PubMed 24931394 (cited by Labcorp Genetics (formerly Invitae), Labcorp).